The following is an entry in ClinVar:

NM_001384900.1(SEMA3D):c.2039C>T (p.Thr680Ile)

Genes: SEMA3D (semaphorin 3D; minus strand), LOC126860094 (BRD4-independent group 4 enhancer GRCh37_chr7:84628763-84629962; plus strand). Cytogenetic location: 7q21.11.
Variant type: single nucleotide variant.
Coding change: c.2039C>T on transcript NM_001384900.1 (MANE Select); coding-DNA position 2039, C replaced by T.
Protein change: p.Thr680Ile; replaces threonine 680 with isoleucine.
Molecular consequence: missense variant.
Genome position (GRCh38, 1-based): chr7:84,999,735, G>A on the plus strand (C>T on the coding strand, the complement: SEMA3D is on the minus strand). VCF-style: chr7-84999735-G-A. GRCh37 (hg19) VCF-style: chr7-84629051-G-A.
Other names: c.2039C>T, p.Thr680Ile (NM_001384901.1, NM_001384902.1, NM_001384903.1 and 1 more transcripts); short protein forms T680I.
Identifiers: ClinVar variation 3344743 (VCV003344743.1).
Genomic context (GRCh38, chr7:84,999,735, plus strand): 5'-CCCTCCTCATGCTCTGCCCTCTGGGTATTTTCCATCTGTTCATTCTCAATGACATTCAAA[G>A]TCAGCTTCACTATGGTGTGGATGAAAGTGTGCTCCTGGGCTTTGCAGTAATACATCCCAG-3'
Protein context (NP_001371829.1, residues 670-690): HTFIHTIVKL[Thr680Ile]LNVIENEQME

ClinVar aggregate classification (germline): Uncertain significance (0 of 4 stars; one submission).

Conditions:
SEMA3D-related disorder. Also called: SEMA3D-related condition.

gnomAD v4.1: 2 of 1,614,028 alleles (0.00012%); highest among the groups gnomAD compares: Non-Finnish European, 0.00017%; no homozygotes.

Submission:

PreventionGenetics, part of Exact Sciences
Classification: Uncertain significance for SEMA3D-related condition. Last evaluated: 2024-05-22. Review status: no assertion criteria provided. Collection method: clinical testing. Allele origin: germline.
Comment: The SEMA3D c.2039C>T variant is predicted to result in the amino acid substitution p.Thr680Ile. To our knowledge, this variant has not been reported in the literature or in a large population database, indicating this variant is rare. At this time, the clinical significance of this variant is uncertain due to the absence of conclusive functional and genetic evidence.